The following is an entry in ClinVar:

ClinVar aggregate classification (germline): Uncertain significance (1 of 4 stars; one submission).

Allele frequency attached by ClinVar (database versions not stated): TOPMed 0.00002.

Submission:

ARUP Laboratories, Molecular Genetics and Genomics, ARUP Laboratories
Classification: Uncertain significance. Last evaluated: 2017-12-15. Review status: criteria provided, single submitter. Criteria: ARUP Molecular Germline Variant Investigation Process. Collection method: clinical testing. Allele origin: germline.
Comment: The F8 c.244A>G; p.Lys82Glu variant is not described in the medical literature or in gene-specific databases. The variant is not listed in the ClinVar database, in the dbSNP variant database, or in the general population-based databases (Exome Variant Server, Genome Aggregation Database). The lysine at this position is conserved across species and computational algorithms (PolyPhen2, SIFT) predict this variant is deleterious. Considering available information, there is insufficient evidence to classify this variant with certainty.

NM_000132.4(F8):c.244A>G (p.Lys82Glu)

Gene: F8 (coagulation factor VIII; minus strand). Cytogenetic location: Xq28.
Variant type: single nucleotide variant.
Coding change: c.244A>G on transcript NM_000132.4 (MANE Select); coding-DNA position 244, A replaced by G.
Protein change: p.Lys82Glu; replaces lysine 82 with glutamic acid.
Molecular consequence: missense variant.
Genome position (GRCh38, 1-based): chrX:154,999,500, T>C on the plus strand (A>G on the coding strand, the complement: F8 is on the minus strand). VCF-style: chrX-154999500-T-C. GRCh37 (hg19) VCF-style: chrX-154227775-T-C.
Other names: short protein forms K82E.
Identifiers: ClinVar variation 618635 (VCV000618635.8), dbSNP rs1283070296, ClinGen allele CA414920190.